The following is an entry in ClinVar:

NM_000094.4(COL7A1):c.6365A>G (p.Asn2122Ser)

Gene: COL7A1 (collagen type VII alpha 1 chain; minus strand). Cytogenetic location: 3p21.31.
Variant type: single nucleotide variant.
Coding change: c.6365A>G on transcript NM_000094.4 (MANE Select); coding-DNA position 6365, A replaced by G.
Protein change: p.Asn2122Ser; replaces asparagine 2122 with serine.
Molecular consequence: missense variant.
Genome position (GRCh38, 1-based): chr3:48,574,705, T>C on the plus strand (A>G on the coding strand, the complement: COL7A1 is on the minus strand). VCF-style: chr3-48574705-T-C. GRCh37 (hg19) VCF-style: chr3-48612138-T-C.
Other names: short protein forms N2122S.
Identifiers: ClinVar variation 2177960 (VCV002177960.3), dbSNP rs748171177, ClinGen allele CA2379085.

ClinVar aggregate classification (germline): Uncertain significance (1 of 4 stars; one submission).

Allele frequency attached by ClinVar (database versions not stated): ExAC 0.00002; gnomAD 0.00002; TOPMed 0.00002; gnomAD exomes 0.00003.
gnomAD v4.1: 48 of 1,613,816 alleles (0.003%); highest among the groups gnomAD compares: Non-Finnish European, 0.004%; no homozygotes.

Submission:

Labcorp Genetics (formerly Invitae), Labcorp
Classification: Uncertain significance. Last evaluated: 2026-01-14. Review status: criteria provided, single submitter. Criteria: Invitae Variant Classification Sherloc (09022015). Collection method: clinical testing. Allele origin: germline.
Comment: This sequence change replaces asparagine, which is neutral and polar, with serine, which is neutral and polar, at codon 2122 of the COL7A1 protein (p.Asn2122Ser). This variant is present in population databases (rs748171177, gnomAD 0.01%). This variant has not been reported in the literature in individuals affected with COL7A1-related conditions. ClinVar contains an entry for this variant (Variation ID: 2177960). Invitae Evidence Modeling of protein sequence and biophysical properties (such as structural, functional, and spatial information, amino acid conservation, physicochemical variation, residue mobility, and thermodynamic stability) indicates that this missense variant is not expected to disrupt COL7A1 protein function with a negative predictive value of 95%. In summary, the available evidence is currently insufficient to determine the role of this variant in disease. Therefore, it has been classified as a Variant of Uncertain Significance.